The following is an entry in ClinVar:

ClinVar aggregate classification (germline): Likely benign. Review status: criteria provided, single submitter (1 of 4 stars). 2 submissions from 2 submitters: Likely benign (1). 1 of the submissions does not count toward it. Last evaluated 2025-04-17.

Conditions:
COL6A3-related disorder. Also called: COL6A3-related condition; COL6A3-related disorders.
Bethlem myopathy 1A. Also called: Bethlem Muscular Dystrophy; MYOPATHY, BENIGN CONGENITAL, WITH CONTRACTURES; Bethlem myopathy 1. Identifiers: Orphanet 610, MedGen CN029274, MONDO:0024530, OMIM 158810.

Allele frequency attached by ClinVar (database versions not stated): gnomAD 0.00002; gnomAD exomes 0.00003 and 0.00004; TOPMed 0.00003; ExAC 0.00004; ESP Exome Variant Server 0.00008.
gnomAD v4.1: 53 of 1,614,068 alleles (0.0033%); highest among the groups gnomAD compares: East Asian, 0.0067%; no homozygotes.

Submissions (2):

Labcorp Genetics (formerly Invitae), Labcorp
Classification: Likely benign for Bethlem myopathy 1A. Last evaluated: 2025-04-17. Review status: criteria provided, single submitter. Criteria: Invitae Variant Classification Sherloc (09022015). Collection method: clinical testing. Allele origin: germline.

PreventionGenetics, part of Exact Sciences
Classification: Likely benign for COL6A3-related condition. Last evaluated: 2019-08-09. Review status: no assertion criteria provided. Collection method: clinical testing. Allele origin: germline. Not counted in ClinVar's aggregate classification.
Comment: This variant is classified as likely benign based on ACMG/AMP sequence variant interpretation guidelines (Richards et al. 2015 PMID: 25741868, with internal and published modifications).

NM_004369.4(COL6A3):c.7476G>A (p.Ser2492=)

Gene: COL6A3 (collagen type VI alpha 3 chain; minus strand). Cytogenetic location: 2q37.3.
Variant type: single nucleotide variant.
Coding change: c.7476G>A on transcript NM_004369.4 (MANE Select); coding-DNA position 7476, G replaced by A.
Protein change: p.Ser2492=; no amino-acid change (serine 2492 retained).
Molecular consequence: synonymous variant.
Genome position (GRCh38, 1-based): chr2:237,344,542, C>T on the plus strand (G>A on the coding strand, the complement: COL6A3 is on the minus strand). VCF-style: chr2-237344542-C-T. GRCh37 (hg19) VCF-style: chr2-238253185-C-T.
Other names: c.5655G>A, p.Ser1885= (NM_057166.5); c.6858G>A, p.Ser2286= (NM_057167.4).
Identifiers: ClinVar variation 759698 (VCV000759698.10), dbSNP rs150815991, ClinGen allele CA2187795.